The following is an entry in ClinVar:

NM_153717.3(EVC):c.1886+1G>C

Gene: EVC (EvC ciliary complex subunit 1; plus strand). Cytogenetic location: 4p16.2.
Variant type: single nucleotide variant.
Coding change: c.1886+1G>C on transcript NM_153717.3 (MANE Select); the canonical splice donor site of the intron after coding-DNA position 1886, G replaced by C.
Molecular consequence: splice donor variant.
Genome position (GRCh38, 1-based): chr4:5,793,718, G>C. VCF-style: chr4-5793718-G-C. GRCh37 (hg19) VCF-style: chr4-5795445-G-C.
Other names: c.1886+1G>C (NM_001306090.2).
Identifiers: ClinVar variation 861541 (VCV000861541.11), dbSNP rs753679094, ClinGen allele CA2836290.

ClinVar aggregate classification (germline): Pathogenic/Likely pathogenic. Review status: criteria provided, multiple submitters, no conflicts (2 of 4 stars). 3 submissions from 3 submitters: Pathogenic (1); Likely pathogenic (2). Last evaluated 2025-09-12.

Conditions:
Ellis-van Creveld syndrome (EVC). Also called: MESOECTODERMAL DYSPLASIA; Chondroectodermal dysplasia. Identifiers: Orphanet 289, MedGen C0013903, MONDO:0009162, OMIM 225500.
Curry-Hall syndrome (WAD). Also called: WEYERS ACRODENTAL DYSOSTOSIS. Identifiers: Orphanet 952, MedGen C0457013, MONDO:0008673, OMIM 193530.

Allele frequency attached by ClinVar (database versions not stated): ExAC 0.00005.
gnomAD v4.1: 3 of 1,548,752 alleles (0.00019%); highest among the groups gnomAD compares: Non-Finnish European, 0.00017%; no homozygotes.

Submissions (3):

Natera, Inc.
Classification: Likely pathogenic for Ellis-van Creveld syndrome. Last evaluated: 2025-09-12. Review status: criteria provided, single submitter. Criteria: Natera Variant Classification Schema (03/2026). Collection method: clinical testing. Allele origin: germline.
Comment: The c.1886+1G>C variant in EVC is a canonical splice donor site variant predicted to affect pre-mRNA splicing, which may result in an abnormal transcript and altered protein product. This variant is expected to result in nonsense mediated decay, truncation, or a dysfunctional protein product. This variant is rare in the general population with a frequency below the threshold expected for the associated phenotype(s). Given the available evidence, this variant is classified as Likely Pathogenic.

Myriad Genetics, Inc.
Classification: Pathogenic for Ellis-van Creveld syndrome. Last evaluated: 2025-09-09. Review status: criteria provided, single submitter. Criteria: Myriad Autosomal Dominant, Autosomal Recessive and X-Linked Classification Criteria (2023). Collection method: clinical testing. Allele origin: unknown.
Comment: NM_153717.2(EVC):c.1886+1G>C is a variant in a canonical splice site classified as pathogenic in the context of EVC-related Ellis-van Creveld syndrome. c.1886+1G>C has not been observed in cases with relevant disease. Relevant functional assessments of this variant are not available in the literature. c.1886+1G>C has not been observed in referenced population frequency databases. In summary, NM_153717.2(EVC):c.1886+1G>C is a variant in a canonical splice site in a gene where loss of function is a known mechanism of disease and is predicted to disrupt protein function. Please note: this variant was assessed in the context of healthy population screening.

Labcorp Genetics (formerly Invitae), Labcorp
Classification: Likely pathogenic for Curry-Hall syndrome; Ellis-van Creveld syndrome. Last evaluated: 2023-06-16. Review status: criteria provided, single submitter. Criteria: Invitae Variant Classification Sherloc (09022015). Collection method: clinical testing. Allele origin: germline.
Comment: In summary, the currently available evidence indicates that the variant is pathogenic, but additional data are needed to prove that conclusively. Therefore, this variant has been classified as Likely Pathogenic. Algorithms developed to predict the effect of sequence changes on RNA splicing suggest that this variant may disrupt the consensus splice site. This variant is not present in population databases (gnomAD no frequency). This sequence change affects a donor splice site in intron 13 of the EVC gene. It is expected to disrupt RNA splicing. Variants that disrupt the donor or acceptor splice site typically lead to a loss of protein function (PMID: 16199547), and loss-of-function variants in EVC are known to be pathogenic (PMID: 23220543). This variant has not been reported in the literature in individuals affected with EVC-related conditions. ClinVar contains an entry for this variant (Variation ID: 861541).

Literature cited by the submitters: PubMed 16199547 (cited by Labcorp Genetics (formerly Invitae), Labcorp); PubMed 23220543 (cited by Labcorp Genetics (formerly Invitae), Labcorp).